The following is an entry in ClinVar:

ClinVar aggregate classification (germline): Benign/Likely benign. Review status: criteria provided, multiple submitters, no conflicts (2 of 4 stars). 6 submissions from 6 submitters: Benign (4); Likely benign (1). 1 of the submissions does not count toward it. Last evaluated 2026-02-03.

Conditions:
3-hydroxyisobutyryl-CoA hydrolase deficiency. Also called: HIBCH DEFICIENCY; Reduced circulating 3-hydroxyisobutyryl-CoA hydrolase activity; Deficiency of 3-hydroxyisobutyryl CoA hydrolase; METHACRYLIC ACID TOXICITY; METHACRYLIC ACIDURIA; VALINE METABOLIC DEFECT. Identifiers: Orphanet 88639, MedGen C0342738, MONDO:0009603, OMIM 250620, HP:6000215.

Allele frequency attached by ClinVar (database versions not stated): gnomAD exomes 0.51203 and 0.56991; gnomAD 0.52473 and 0.52671; ExAC 0.52787; ESP Exome Variant Server 0.55190; 1000 Genomes Project 30x 0.42973; 1000 Genomes Project 0.43171; TOPMed 0.49890.

Submissions (6):

Labcorp Genetics (formerly Invitae), Labcorp
Classification: Benign for 3-hydroxyisobutyryl-CoA hydrolase deficiency. Last evaluated: 2026-02-03. Review status: criteria provided, single submitter. Criteria: Invitae Variant Classification Sherloc (09022015). Collection method: clinical testing. Allele origin: germline.

Blueprint Genetics
Classification: Likely benign. Last evaluated: 2024-11-26. Review status: criteria provided, single submitter. Criteria: ACMG Guidelines, 2015. Collection method: clinical testing. Allele origin: germline.

Genome-Nilou Lab
Classification: Benign for 3-hydroxyisobutyryl-CoA hydrolase deficiency. Last evaluated: 2021-08-10. Review status: criteria provided, single submitter. Criteria: ACMG Guidelines, 2015. Collection method: clinical testing. Allele origin: germline. Affected: no.

GeneDx
Classification: Benign. Last evaluated: 2015-12-02. Review status: criteria provided, single submitter. Criteria: GeneDx Variant Classification (06012015). Collection method: clinical testing. Allele origin: germline. Affected: yes.
Comment: This variant is considered likely benign or benign based on one or more of the following criteria: it is a conservative change, it occurs at a poorly conserved position in the protein, it is predicted to be benign by multiple in silico algorithms, and/or has population frequency not consistent with disease.

Breakthrough Genomics
Classification: Benign. Review status: criteria provided, single submitter. Criteria: ACMG Guidelines, 2015. Collection method: not provided. Allele origin: germline. Inheritance: Autosomal recessive inheritance. Affected: yes.

Mayo Clinic Laboratories, Mayo Clinic
Classification: Benign. Last evaluated: 2016-02-16. Review status: no assertion criteria provided. Collection method: clinical testing. Allele origin: unknown. Not counted in ClinVar's aggregate classification.

NM_014362.4(HIBCH):c.2T>C (p.Met1Thr)

Gene: HIBCH (3-hydroxyisobutyryl-CoA hydrolase; minus strand). Cytogenetic location: 2q32.2.
Variant type: single nucleotide variant.
Coding change: c.2T>C on transcript NM_014362.4 (MANE Select); coding-DNA position 2, T replaced by C.
Protein change: p.Met1Thr; changes the start codon (methionine 1).
Molecular consequence: missense variant, initiator codon variant.
Genome position (GRCh38, 1-based): chr2:190,319,749, A>G on the plus strand (T>C on the coding strand, the complement: HIBCH is on the minus strand). VCF-style: chr2-190319749-A-G. GRCh37 (hg19) VCF-style: chr2-191184475-A-G.
Other names: c.2T>C, p.Met1Thr (NM_198047.3); short protein forms M1T.
Identifiers: ClinVar variation 379985 (VCV000379985.18), dbSNP rs291466, ClinGen allele CA2027842.